The following is an entry in ClinVar:

NM_003924.4(PHOX2B):c.208C>A (p.Leu70Ile)

Genes: PHOX2B (paired like homeobox 2B; minus strand), PHOX2B-AS1 (PHOX2B antisense RNA 1; plus strand). Cytogenetic location: 4p13.
Variant type: single nucleotide variant.
Coding change: c.208C>A on transcript NM_003924.4 (MANE Select); coding-DNA position 208, C replaced by A.
Protein change: p.Leu70Ile; replaces leucine 70 with isoleucine.
Molecular consequence: missense variant. On other transcripts: non-coding transcript variant (1).
Genome position (GRCh38, 1-based): chr4:41,748,403, G>T on the plus strand (C>A on the coding strand, the complement: PHOX2B is on the minus strand). VCF-style: chr4-41748403-G-T. GRCh37 (hg19) VCF-style: chr4-41750420-G-T.
Other names: short protein forms L70I.
Identifiers: ClinVar variation 5026573 (VCV005026573.1).

ClinVar aggregate classification (germline): Uncertain significance (1 of 4 stars; one submission).

Conditions:
Hereditary cancer-predisposing syndrome. Also called: Neoplastic Syndromes, Hereditary; Tumor predisposition; Hereditary neoplastic syndrome; Hereditary Cancer Syndrome. Identifiers: Orphanet 140162, MedGen C0027672, MeSH D009386, MONDO:0015356.

Submission:

Ambry Genetics
Classification: Uncertain significance for Hereditary cancer-predisposing syndrome. Last evaluated: 2026-07-06. Review status: criteria provided, single submitter. Criteria: Ambry Variant Classification Scheme 2023. Collection method: clinical testing. Allele origin: germline.
Comment: The p.L70I variant (also known as c.208C>A), located in coding exon 1 of the PHOX2B gene, results from a C to A substitution at nucleotide position 208. The leucine at codon 70 is replaced by isoleucine, an amino acid with highly similar properties. This amino acid position is conserved. In addition, the in silico prediction for this alteration is inconclusive. Based on the available evidence, the clinical significance of this variant remains unclear.